The following is an entry in ClinVar:

ClinVar aggregate classification (germline): Uncertain significance (1 of 4 stars; one submission).

Conditions:
Early-infantile DEE. Also called: Early infantile epileptic encephalopathy; Early infantile epileptic encephalopathy with suppression bursts; Ohtahara syndrome. Identifiers: Orphanet 1934, MedGen C0393706, MONDO:0800491.

Submission:

Labcorp Genetics (formerly Invitae), Labcorp
Classification: Uncertain significance for Early-infantile DEE. Last evaluated: 2025-11-21. Review status: criteria provided, single submitter. Criteria: Invitae Variant Classification Sherloc (09022015). Collection method: clinical testing. Allele origin: germline.
Comment: This sequence change replaces glutamic acid, which is acidic and polar, with glutamine, which is neutral and polar, at codon 364 of the KCNQ2 protein (p.Glu364Gln). This variant is not present in population databases (gnomAD no frequency). This missense change has been observed in individual(s) with clinical features of KCNQ2-related conditions (PMID: 36035117). Invitae Evidence Modeling of protein sequence and biophysical properties (such as structural, functional, and spatial information, amino acid conservation, physicochemical variation, residue mobility, and thermodynamic stability) indicates that this missense variant is expected to disrupt KCNQ2 protein function with a positive predictive value of 95%. In summary, the available evidence is currently insufficient to determine the role of this variant in disease. Therefore, it has been classified as a Variant of Uncertain Significance.

Literature cited by the submitters: PubMed 36035117.

NM_172107.4(KCNQ2):c.1090G>C (p.Glu364Gln)

Gene: KCNQ2 (potassium voltage-gated channel subfamily Q member 2; minus strand). Cytogenetic location: 20q13.33.
Variant type: single nucleotide variant.
Coding change: c.1090G>C on transcript NM_172107.4 (MANE Select); coding-DNA position 1090, G replaced by C.
Protein change: p.Glu364Gln; replaces glutamic acid 364 with glutamine.
Molecular consequence: missense variant.
Genome position (GRCh38, 1-based): chr20:63,433,837, C>G on the plus strand (G>C on the coding strand, the complement: KCNQ2 is on the minus strand). VCF-style: chr20-63433837-C-G. GRCh37 (hg19) VCF-style: chr20-62065190-C-G.
Other names: c.1090G>C, p.Glu364Gln (NM_001382235.1, NM_001439003.1, NM_001439004.1 and 4 more transcripts); short protein forms E364Q.
Identifiers: ClinVar variation 4803152 (VCV004803152.1).
Genomic context (GRCh38, chr20:63,433,837, plus strand): 5'-GTTGCTTGGTGGCAGGTGCCCGGCGGCGGTACCTGTACATGGGCACGGTGACCGTTCGCT[C>G]GTAGTACTGCCACGTGGAGTGCAGGTCTGTGCGCGAGAGGTTGGTGGCGTAGAATCTCCA-3'
Protein context (NP_742105.1, residues 354-374): TDLHSTWQYY[Glu364Gln]RTVTVPMYSS